The following is an entry in ClinVar:

NM_007294.4(BRCA1):c.4777A>T (p.Ile1593Leu)

Gene: BRCA1 (BRCA1 DNA repair associated; minus strand). Cytogenetic location: 17q21.31.
Variant type: single nucleotide variant.
Coding change: c.4777A>T on transcript NM_007294.4 (MANE Select); coding-DNA position 4777, A replaced by T.
Protein change: p.Ile1593Leu; replaces isoleucine 1593 with leucine.
Molecular consequence: missense variant. On other transcripts: non-coding transcript variant (1).
Genome position (GRCh38, 1-based): chr17:43,071,137, T>A on the plus strand (A>T on the coding strand, the complement: BRCA1 is on the minus strand). VCF-style: chr17-43071137-T-A. GRCh37 (hg19) VCF-style: chr17-41223154-T-A.
Other names: c.4630A>T, p.Ile1544Leu (NM_001407844.1, NM_001407845.1, NM_001407846.1 and 12 more transcripts); c.4771A>T, p.Ile1591Leu (NM_001407634.1, NM_001407635.1, NM_001407636.1 and 14 more transcripts); c.4768A>T, p.Ile1590Leu (NM_001407644.1, NM_001407645.1); c.4651A>T, p.Ile1551Leu (NM_001407675.1, NM_001407676.1, NM_001407677.1 and 11 more transcripts); c.4648A>T, p.Ile1550Leu (NM_001407681.1, NM_001407682.1, NM_001407683.1 and 6 more transcripts); c.4777A>T, p.Ile1593Leu (NM_001407684.1, NM_001407854.1, NM_001407593.1 and 8 more transcripts); c.4774A>T, p.Ile1592Leu (NM_001407615.1, NM_001407616.1, NM_001407617.1 and 17 more transcripts); c.4696A>T, p.Ile1566Leu (NM_001407656.1, NM_001407657.1, NM_001407658.1); and 70 more; short protein forms I1593L, I1546L, I1614L, I489L, I1465L, I1524L, I1566L, I1589L.
Identifiers: ClinVar variation 55286 (VCV000055286.3), dbSNP rs397509197, ClinGen allele CA003020.

ClinVar aggregate classification (germline): Likely benign. Review status: no assertion criteria provided (0 of 4 stars). 2 submissions from 2 submitters: Likely benign (1). 1 of the submissions does not count toward it. Last evaluated 2023-09-01.

Conditions:
Breast-ovarian cancer, familial, susceptibility to, 1 (BROVCA1). Also called: BRCA1 Hereditary Breast and Ovarian Cancer; OVARIAN CANCER, SUSCEPTIBILITY TO. Identifiers: Orphanet 145, MedGen C2676676, MONDO:0011450, OMIM 604370. Disease mechanism: loss of function.
Familial cancer of breast. Also called: hereditary breast carcinoma; BREAST CANCER, FAMILIAL; Hereditary breast cancer. Identifiers: Orphanet 227535, MedGen C0346153, MONDO:0016419, OMIM 114480. Disease mechanism: loss of function.

Submissions (2):

Department of Medical and Surgical Sciences, University of Bologna
Classification: Likely benign for Breast-ovarian cancer, familial, susceptibility to, 1. Last evaluated: 2023-09-01. Review status: no assertion criteria provided. Collection method: clinical testing. Allele origin: germline. Affected: yes.
Comment: PM2(Supporting)+BP1(Strong) according to ACMG/AMP classification guidelines specified for BRCA1 & BRCA2 (Classification Criteria V1.0.0 2023-09-08) (PMID: 38160042)

ClinVar Staff, National Center for Biotechnology Information (NCBI)
No classification provided. Condition: Familial cancer of breast. Review status: no classification provided. Collection method: literature only. Allele origin: germline. Affected: yes. Not counted in ClinVar's aggregate classification.

Literature cited by the submitters: PubMed 16760289 (cited by ClinVar Staff, National Center for Biotechnology Information (NCBI)).